The following is an entry in ClinVar:

ClinVar aggregate classification (germline): Likely benign. Review status: criteria provided, multiple submitters, no conflicts (2 of 4 stars). 2 submissions from 2 submitters: Likely benign (2). Last evaluated 2024-12-10.

Conditions:
RASopathy. Also called: Noonan spectrum disorder; rasopathies. Identifiers: Orphanet 536391, MedGen C5555857, MONDO:0021060.

Allele frequency attached by ClinVar (database versions not stated): gnomAD 0.00001; gnomAD exomes 0.00001 and 0.00004; TOPMed 0.00001; ExAC 0.00003.

Submissions (2):

Labcorp Genetics (formerly Invitae), Labcorp
Classification: Likely benign for RASopathy. Last evaluated: 2024-12-10. Review status: criteria provided, single submitter. Criteria: Invitae Variant Classification Sherloc (09022015). Collection method: clinical testing. Allele origin: germline.

GeneDx
Classification: Likely benign. Last evaluated: 2018-12-13. Review status: criteria provided, single submitter. Criteria: GeneDx Variant Classification Process June 2021. Collection method: clinical testing. Allele origin: germline. Affected: yes.
Comment: See Variant Classification Assertion Criteria.

NM_030662.4(MAP2K2):c.238G>A (p.Ala80Thr)

Gene: MAP2K2 (mitogen-activated protein kinase kinase 2; minus strand). Cytogenetic location: 19p13.3.
Variant type: single nucleotide variant.
Coding change: c.238G>A on transcript NM_030662.4 (MANE Select); coding-DNA position 238, G replaced by A.
Protein change: p.Ala80Thr; replaces alanine 80 with threonine.
Molecular consequence: missense variant.
Genome position (GRCh38, 1-based): chr19:4,117,484, C>T on the plus strand (G>A on the coding strand, the complement: MAP2K2 is on the minus strand). VCF-style: chr19-4117484-C-T. GRCh37 (hg19) VCF-style: chr19-4117482-C-T.
Other names: short protein forms A80T.
Identifiers: ClinVar variation 1496025 (VCV001496025.10), dbSNP rs751795549, ClinGen allele CA9091072.